The following is an entry in ClinVar:

NM_004380.3(CREBBP):c.3425T>C (p.Leu1142Pro)

Gene: CREBBP (CREB binding lysine acetyltransferase; minus strand). Cytogenetic location: 16p13.3.
Variant type: single nucleotide variant.
Coding change: c.3425T>C on transcript NM_004380.3 (MANE Select); coding-DNA position 3425, T replaced by C.
Protein change: p.Leu1142Pro; replaces leucine 1142 with proline.
Molecular consequence: missense variant.
Genome position (GRCh38, 1-based): chr16:3,757,993, A>G on the plus strand (T>C on the coding strand, the complement: CREBBP is on the minus strand). VCF-style: chr16-3757993-A-G. GRCh37 (hg19) VCF-style: chr16-3807994-A-G.
Other names: c.3311T>C, p.Leu1104Pro (NM_001079846.1); short protein forms L1104P, L1142P.
Identifiers: ClinVar variation 1417982 (VCV001417982.6), dbSNP rs2151383792, ClinGen allele CA394568972.
Genomic context (GRCh38, chr16:3,757,993, plus strand): 5'-TTGAACATGAGCCAGACGTCGTCCACGTACTGCCAGGGCTCTTGGTATTGCCCTGTGTCC[A>G]GCTTCCGCTTGATGGTGGAGAGGTCCATGGGATTCTTTACGATGTCAAAATAGTCCTTAA-3'
Protein context (NP_004371.2, residues 1132-1152): PMDLSTIKRK[Leu1142Pro]DTGQYQEPWQ

ClinVar aggregate classification (germline): Pathogenic (1 of 4 stars; one submission).

Conditions:
Rubinstein-Taybi syndrome (RSTS). Identifiers: Orphanet 783, MedGen C0035934, MONDO:0019188.

Submission:

Labcorp Genetics (formerly Invitae), Labcorp
Classification: Pathogenic for Rubinstein-Taybi syndrome. Last evaluated: 2022-01-19. Review status: criteria provided, single submitter. Criteria: Invitae Variant Classification Sherloc (09022015). Collection method: clinical testing. Allele origin: germline.
Comment: For these reasons, this variant has been classified as Pathogenic. Advanced modeling of protein sequence and biophysical properties (such as structural, functional, and spatial information, amino acid conservation, physicochemical variation, residue mobility, and thermodynamic stability) performed at Invitae indicates that this missense variant is expected to disrupt CREBBP protein function. This missense change has been observed in individual(s) with clinical features of Rubinstein-Taybi Syndrome (Invitae). In at least one individual the variant was observed to be de novo. This variant is not present in population databases (gnomAD no frequency). This sequence change replaces leucine, which is neutral and non-polar, with proline, which is neutral and non-polar, at codon 1142 of the CREBBP protein (p.Leu1142Pro).